The following is an entry in ClinVar:

ClinVar aggregate classification (germline): Pathogenic (1 of 4 stars; one submission).

Conditions:
Arginase deficiency. Also called: ARGININEMIA; ARG1 DEFICIENCY; Arginase 1 Deficiency. Identifiers: Orphanet 90, MedGen C0268548, MONDO:0008814, OMIM 207800.

Submission:

Labcorp Genetics (formerly Invitae), Labcorp
Classification: Pathogenic for Arginase deficiency. Last evaluated: 2023-05-19. Review status: criteria provided, single submitter. Criteria: Invitae Variant Classification Sherloc (09022015). Collection method: clinical testing. Allele origin: unknown.
Comment: For these reasons, this variant has been classified as Pathogenic. This variant has not been reported in the literature in individuals affected with ARG1-related conditions. A gross deletion of the genomic region encompassing the full coding sequence of the ARG1 gene has been identified. Loss-of-function variants in ARG1 are known to be pathogenic (PMID: 7649538, 12052859). The boundaries of this event are unknown as they extend beyond the assayed region for this gene and therefore may encompass additional genes.

Literature cited by the submitters: PubMed 7649538; PubMed 12052859.

NC_000006.11:g.(?_131894423)_(131905048_?)del

Genes: ARG1 (arginase 1; plus strand), MED23 (mediator complex subunit 23; minus strand). Cytogenetic location: 6q23.2.
Variant type: Deletion.
Identifiers: ClinVar variation 3245971 (VCV003245971.1).